The following is an entry in ClinVar:

NM_006231.4(POLE):c.5560G>T (p.Ala1854Ser)

Gene: POLE (DNA polymerase epsilon, catalytic subunit; minus strand). Cytogenetic location: 12q24.33.
Variant type: single nucleotide variant.
Coding change: c.5560G>T on transcript NM_006231.4 (MANE Select); coding-DNA position 5560, G replaced by T.
Protein change: p.Ala1854Ser; replaces alanine 1854 with serine.
Molecular consequence: missense variant.
Genome position (GRCh38, 1-based): chr12:132,638,132, C>A on the plus strand (G>T on the coding strand, the complement: POLE is on the minus strand). VCF-style: chr12-132638132-C-A. GRCh37 (hg19) VCF-style: chr12-133214718-C-A.
Other names: short protein forms A1854S.
Identifiers: ClinVar variation 473742 (VCV000473742.12), dbSNP rs557167678, ClinGen allele CA387374205.

ClinVar aggregate classification (germline): Uncertain significance. Review status: criteria provided, multiple submitters, no conflicts (2 of 4 stars). 2 submissions from 2 submitters: Uncertain significance (2). Last evaluated 2025-07-30.

Conditions:
Hereditary cancer-predisposing syndrome. Also called: Neoplastic Syndromes, Hereditary; Tumor predisposition; Hereditary Cancer Syndrome; Hereditary neoplastic syndrome. Identifiers: Orphanet 140162, MedGen C0027672, MeSH D009386, MONDO:0015356.

gnomAD v4.1: 5 of 1,613,378 alleles (0.00031%); highest among the groups gnomAD compares: East Asian, 0.011%; no homozygotes.

Submissions (2):

Labcorp Genetics (formerly Invitae), Labcorp
Classification: Uncertain significance. Last evaluated: 2025-07-30. Review status: criteria provided, single submitter. Criteria: Invitae Variant Classification Sherloc (09022015). Collection method: clinical testing. Allele origin: germline.
Comment: This sequence change replaces alanine, which is neutral and non-polar, with serine, which is neutral and polar, at codon 1854 of the POLE protein (p.Ala1854Ser). This variant is not present in population databases (gnomAD no frequency). This variant has not been reported in the literature in individuals affected with POLE-related conditions. ClinVar contains an entry for this variant (Variation ID: 473742). Invitae Evidence Modeling of protein sequence and biophysical properties (such as structural, functional, and spatial information, amino acid conservation, physicochemical variation, residue mobility, and thermodynamic stability) indicates that this missense variant is not expected to disrupt POLE protein function with a negative predictive value of 80%. In summary, the available evidence is currently insufficient to determine the role of this variant in disease. Therefore, it has been classified as a Variant of Uncertain Significance.

Ambry Genetics
Classification: Uncertain significance for Hereditary cancer-predisposing syndrome. Last evaluated: 2021-09-01. Review status: criteria provided, single submitter. Criteria: Ambry Variant Classification Scheme 2023. Collection method: clinical testing. Allele origin: germline.
Comment: The p.A1854S variant (also known as c.5560G>T), located in coding exon 41 of the POLE gene, results from a G to T substitution at nucleotide position 5560. The alanine at codon 1854 is replaced by serine, an amino acid with similar properties. This amino acid position is conserved. In addition, this alteration is predicted to be tolerated by in silico analysis. Since supporting evidence is limited at this time, the clinical significance of this alteration remains unclear.